The following is an entry in ClinVar:

ClinVar aggregate classification (germline): Likely pathogenic (1 of 4 stars; one submission).

Conditions:
Congenital myopathy 10b, mild variant. Also called: Myopathy, areflexia, respiratory distress, and dysphagia, early-onset, mild variant. Identifiers: MedGen C3541476, MONDO:0859515, OMIM 620249.
MEGF10-related myopathy (CMYO10A). Also called: Congenital myopathy 10A, severe variant. Identifiers: Orphanet 439212, MedGen C3280679, MONDO:0013731, OMIM 614399.

Submission:

Juno Genomics, Hangzhou Juno Genomics, Inc
Classification: Likely pathogenic for MEGF10-related myopathy; Congenital myopathy 10b, mild variant. Review status: criteria provided, single submitter. Criteria: ACMG Guidelines, 2015. Collection method: clinical testing. Allele origin: germline.
Comment: Null variant in a gene where loss of function (LOF) is a known mechanism of disease.;Absent from controls (or at extremely low frequency if recessive) in Genome Aggregation Database.

NM_001256545.2(MEGF10):c.2997dup (p.Arg1000fs)

Gene: MEGF10 (multiple EGF like domains 10; plus strand). Cytogenetic location: 5q23.2.
Variant type: Duplication.
Coding change: c.2997dup on transcript NM_001256545.2 (MANE Select); coding-DNA position 2997, one base duplicated (C; older notation c.2997dupC).
Protein change: p.Arg1000fs; shifts the reading frame from arginine 1000.
Molecular consequence: frameshift variant.
Genome position (GRCh38, 1-based): chr5:127,454,582, C duplicated. VCF-style (leftmost placement, unchanged base first): chr5-127454581-A-AC. GRCh37 (hg19) VCF-style: chr5-126790273-A-AC.
Other names: c.2997dup, p.Arg1000fs (NM_032446.3); short protein forms R1000fs.
Identifiers: ClinVar variation 5006826 (VCV005006826.2).